The following is an entry in ClinVar:

NM_194277.3(FRMD7):c.1395C>A (p.Ser465Arg)

Gene: FRMD7 (FERM domain containing 7; minus strand). Cytogenetic location: Xq26.2.
Variant type: single nucleotide variant.
Coding change: c.1395C>A on transcript NM_194277.3 (MANE Select); coding-DNA position 1395, C replaced by A.
Protein change: p.Ser465Arg; replaces serine 465 with arginine.
Molecular consequence: missense variant.
Genome position (GRCh38, 1-based): chrX:132,078,622, G>T on the plus strand (C>A on the coding strand, the complement: FRMD7 is on the minus strand). VCF-style: chrX-132078622-G-T. GRCh37 (hg19) VCF-style: chrX-131212650-G-T.
Other names: c.1350C>A, p.Ser450Arg (NM_001306193.2); short protein forms S465R, S450R.
Identifiers: ClinVar variation 1930242 (VCV001930242.5), dbSNP rs887254851, ClinGen allele CA335857490.

ClinVar aggregate classification (germline): Uncertain significance (1 of 4 stars; one submission).

Allele frequency attached by ClinVar (database versions not stated): TOPMed 0.00001; gnomAD 0.00002.

Submission:

Labcorp Genetics (formerly Invitae), Labcorp
Classification: Uncertain significance. Last evaluated: 2021-12-23. Review status: criteria provided, single submitter. Criteria: Invitae Variant Classification Sherloc (09022015). Collection method: clinical testing. Allele origin: germline.
Comment: In summary, the available evidence is currently insufficient to determine the role of this variant in disease. Therefore, it has been classified as a Variant of Uncertain Significance. This variant has not been reported in the literature in individuals affected with FRMD7-related conditions. This variant is present in population databases (no rsID available, gnomAD 0.006%), including at least one homozygous and/or hemizygous individual. This sequence change replaces serine, which is neutral and polar, with arginine, which is basic and polar, at codon 465 of the FRMD7 protein (p.Ser465Arg). Algorithms developed to predict the effect of missense changes on protein structure and function output the following: SIFT: "Tolerated"; PolyPhen-2: "Benign"; Align-GVGD: "Class C0". The arginine amino acid residue is found in multiple mammalian species, which suggests that this missense change does not adversely affect protein function.